The following is an entry in ClinVar:

NM_006514.4(SCN10A):c.4421C>A (p.Thr1474Asn)

Gene: SCN10A (sodium voltage-gated channel alpha subunit 10; minus strand). Cytogenetic location: 3p22.2.
Variant type: single nucleotide variant.
Coding change: c.4421C>A on transcript NM_006514.4 (MANE Select); coding-DNA position 4421, C replaced by A.
Protein change: p.Thr1474Asn; replaces threonine 1474 with asparagine.
Molecular consequence: missense variant.
Genome position (GRCh38, 1-based): chr3:38,702,075, G>T on the plus strand (C>A on the coding strand, the complement: SCN10A is on the minus strand). VCF-style: chr3-38702075-G-T. GRCh37 (hg19) VCF-style: chr3-38743566-G-T.
Other names: c.4418C>A, p.Thr1473Asn (NM_001293306.2); c.4127C>A, p.Thr1376Asn (NM_001293307.2); short protein forms T1474N, T1376N, T1473N.
Identifiers: ClinVar variation 582188 (VCV000582188.5), dbSNP rs1559409413, ClinGen allele CA352147143.
Genomic context (GRCh38, chr3:38,702,075, plus strand): 5'-ATCATGGTGATCATGTTGAGGCAGATGAGGACCATGATGGTGATGTCAAAAGCTTGTCTG[G>T]TCACGATGTCAAAGACAAAACCCTGGAACTTGTTCTGAGAAAACAAGAGATAGTGGCATC-3'
Protein context (NP_006505.4, residues 1464-1484): KFQGFVFDIV[Thr1474Asn]RQAFDITIMV

ClinVar aggregate classification (germline): Uncertain significance (1 of 4 stars; one submission).

Conditions:
Brugada syndrome. Also called: Sudden unexpected nocturnal death syndrome; Sudden Unexplained Death Syndrome; Sudden Unexplained Nocturnal Death Syndrome (SUNDS); Sudden unexplained nocturnal death syndrome. Identifiers: Orphanet 130, MedGen C1142166, MONDO:0015263.

Submission:

Labcorp Genetics (formerly Invitae), Labcorp
Classification: Uncertain significance for Brugada syndrome. Last evaluated: 2018-04-23. Review status: criteria provided, single submitter. Criteria: Invitae Variant Classification Sherloc (09022015). Collection method: clinical testing. Allele origin: germline.
Comment: This sequence change replaces threonine with asparagine at codon 1474 of the SCN10A protein (p.Thr1474Asn). The threonine residue is highly conserved and there is a small physicochemical difference between threonine and asparagine. This variant is not present in population databases (ExAC no frequency). This variant has not been reported in the literature in individuals with SCN10A-related disease. Algorithms developed to predict the effect of missense changes on protein structure and function do not agree on the potential impact of this missense change (SIFT: "Deleterious"; PolyPhen-2: "Probably Damaging"; Align-GVGD: "Class C0"). In summary, the available evidence is currently insufficient to determine the role of this variant in disease. Therefore, it has been classified as a Variant of Uncertain Significance.